The following is an entry in ClinVar:

ClinVar aggregate classification (germline): Likely pathogenic (1 of 4 stars; one submission).

Conditions:
Mendelian susceptibility to mycobacterial diseases due to partial STAT1 deficiency. Also called: IMMUNODEFICIENCY 31A, MYCOBACTERIOSIS, AUTOSOMAL DOMINANT; STAT1 DEFICIENCY, AUTOSOMAL DOMINANT; Immunodeficiency 31a. Identifiers: Orphanet 319595, MedGen C4013950, MONDO:0013956, OMIM 614892.
Immunodeficiency 31B. Also called: STAT1 DEFICIENCY, AUTOSOMAL RECESSIVE; IMMUNODEFICIENCY 31B, MYCOBACTERIAL AND VIRAL INFECTIONS, AUTOSOMAL RECESSIVE. Identifiers: Orphanet 391311, MedGen C3151088, MONDO:0013427, OMIM 613796.
Autoimmune enteropathy and endocrinopathy - susceptibility to chronic infections syndrome. Also called: Immunodeficiency 31C; Immunodeficiency 31C, autosomal dominant. Identifiers: Orphanet 391487, MedGen C3279990, MONDO:0013599, OMIM 614162.

Submission:

Labcorp Genetics (formerly Invitae), Labcorp
Classification: Likely pathogenic for Mendelian susceptibility to mycobacterial diseases due to partial STAT1 deficiency; Immunodeficiency 31B; Autoimmune enteropathy and endocrinopathy - susceptibility to chronic infections syndrome. Last evaluated: 2025-08-09. Review status: criteria provided, single submitter. Criteria: Invitae Variant Classification Sherloc (09022015). Collection method: clinical testing. Allele origin: germline.
Comment: This sequence change replaces leucine, which is neutral and non-polar, with valine, which is neutral and non-polar, at codon 400 of the STAT1 protein (p.Leu400Val). This variant is not present in population databases (gnomAD no frequency). This missense change has been observed in individuals with autosomal dominant chronic mucocutaneous candidiasis and/or combined immunodeficiency (PMID: 26732859, 27114460, 34619682, 35482138; internal data). ClinVar contains an entry for this variant (Variation ID: 2203236). An algorithm developed to predict the effect of missense changes on protein structure and function (PolyPhen-2) suggests that this variant is likely to be disruptive. Experimental studies have shown that this missense change affects STAT1 function (PMID: 26732859, 38578354). This variant disrupts the p.Leu400 amino acid residue in STAT1. Other variant(s) that disrupt this residue have been observed in individuals with STAT1-related conditions (PMID: 26743090, 27114460), which suggests that this may be a clinically significant amino acid residue. In summary, the currently available evidence indicates that the variant is pathogenic, but additional data are needed to prove that conclusively. Therefore, this variant has been classified as Likely Pathogenic.

Literature cited by the submitters: PubMed 26732859; PubMed 27114460; PubMed 34619682; PubMed 35482138; PubMed 38578354; PubMed 26743090.

NM_007315.4(STAT1):c.1198C>G (p.Leu400Val)

Gene: STAT1 (signal transducer and activator of transcription 1; minus strand). Cytogenetic location: 2q32.2.
Variant type: single nucleotide variant.
Coding change: c.1198C>G on transcript NM_007315.4 (MANE Select); coding-DNA position 1198, C replaced by G.
Protein change: p.Leu400Val; replaces leucine 400 with valine.
Molecular consequence: missense variant.
Genome position (GRCh38, 1-based): chr2:190,986,877, G>C on the plus strand (C>G on the coding strand, the complement: STAT1 is on the minus strand). VCF-style: chr2-190986877-G-C. GRCh37 (hg19) VCF-style: chr2-191851603-G-C.
Other names: c.1138C>G, p.Leu380Val (NM_001384880.1); c.1204C>G, p.Leu402Val (NM_001384881.1, NM_001384884.1); c.1192C>G, p.Leu398Val (NM_001384882.1); c.1099C>G, p.Leu367Val (NM_001384883.1); c.1039C>G, p.Leu347Val (NM_001384885.1); c.1198C>G, p.Leu400Val (NM_001384886.1, NM_001384889.1, NM_139266.3); c.1105C>G, p.Leu369Val (NM_001384887.1); c.1168C>G, p.Leu390Val (NM_001384888.1); and 2 more; short protein forms L369V, L370V, L380V, L398V, L412V, L367V, L402V, L347V.
Identifiers: ClinVar variation 2203236 (VCV002203236.4), dbSNP rs1417484130, ClinGen allele CA349918916.
Genomic context (GRCh38, chr2:190,986,877, plus strand): 5'-ACCAGAGACAACATAGAGAGGAAACTGATGTCCCTACCAGGTGCCGAAATTCAGCCGCCA[G>C]ACTGCCATTGGTGGACTCCTCCATGTTCATCACTTTTGTGTGCGTGCCCAAAATGTTGAA-3'
Protein context (NP_009330.1, residues 390-410): MNMEESTNGS[Leu400Val]AAEFRHLQLK